The following is an entry in ClinVar:

NM_014915.3(ANKRD26):c.3300C>G (p.Asp1100Glu)

Gene: ANKRD26 (ankyrin repeat domain containing 26; minus strand). Cytogenetic location: 10p12.1.
Variant type: single nucleotide variant.
Coding change: c.3300C>G on transcript NM_014915.3 (MANE Select); coding-DNA position 3300, C replaced by G.
Protein change: p.Asp1100Glu; replaces aspartic acid 1100 with glutamic acid.
Molecular consequence: missense variant.
Genome position (GRCh38, 1-based): chr10:27,035,150, G>C on the plus strand (C>G on the coding strand, the complement: ANKRD26 is on the minus strand). VCF-style: chr10-27035150-G-C. GRCh37 (hg19) VCF-style: chr10-27324079-G-C.
Other names: c.3297C>G, p.Asp1099Glu (NM_001256053.2); short protein forms D1099E, D1100E.
Identifiers: ClinVar variation 3871932 (VCV003871932.1).

ClinVar aggregate classification (germline): Uncertain significance (1 of 4 stars; one submission).

Conditions:
Inborn genetic diseases. Identifiers: MedGen C0950123, MeSH D030342.

Submission:

Ambry Genetics
Classification: Uncertain significance for Inborn genetic diseases. Last evaluated: 2025-03-02. Review status: criteria provided, single submitter. Criteria: Ambry Variant Classification Scheme 2023. Collection method: clinical testing. Allele origin: germline.
Comment: The p.D1100E variant (also known as c.3300C>G), located in coding exon 24 of the ANKRD26 gene, results from a C to G substitution at nucleotide position 3300. The aspartic acid at codon 1100 is replaced by glutamic acid, an amino acid with highly similar properties. This amino acid position is conserved. In addition, this alteration is predicted to be tolerated by in silico analysis. Based on the available evidence, the clinical significance of this variant remains unclear.